The following is an entry in ClinVar:

NM_024675.4(PALB2):c.1545A>G (p.Lys515=)

Gene: PALB2 (partner and localizer of BRCA2; minus strand). Cytogenetic location: 16p12.2.
Variant type: single nucleotide variant.
Coding change: c.1545A>G on transcript NM_024675.4 (MANE Select); coding-DNA position 1545, A replaced by G.
Protein change: p.Lys515=; no amino-acid change (lysine 515 retained).
Molecular consequence: synonymous variant.
Genome position (GRCh38, 1-based): chr16:23,635,001, T>C on the plus strand (A>G on the coding strand, the complement: PALB2 is on the minus strand). VCF-style: chr16-23635001-T-C. GRCh37 (hg19) VCF-style: chr16-23646322-T-C.
Identifiers: ClinVar variation 187098 (VCV000187098.18), dbSNP rs368503108, ClinGen allele CA196734.

ClinVar aggregate classification (germline): Benign/Likely benign. Review status: criteria provided, multiple submitters, no conflicts (2 of 4 stars). 4 submissions from 4 submitters: Benign (1); Likely benign (3). Last evaluated 2025-10-23.

Conditions:
Hereditary cancer-predisposing syndrome. Also called: Neoplastic Syndromes, Hereditary; Tumor predisposition; Hereditary Cancer Syndrome; Hereditary neoplastic syndrome. Identifiers: Orphanet 140162, MedGen C0027672, MeSH D009386, MONDO:0015356.
Familial cancer of breast. Also called: BREAST CANCER, FAMILIAL; Hereditary breast cancer; hereditary breast carcinoma. Identifiers: Orphanet 227535, MedGen C0346153, MONDO:0016419, OMIM 114480. Disease mechanism: loss of function.

Allele frequency attached by ClinVar (database versions not stated): gnomAD exomes below 0.00001; gnomAD 0.00001; ExAC 0.00002; TOPMed 0.00003; ESP Exome Variant Server 0.00008.
gnomAD v4.1: 2 of 1,614,070 alleles (0.00012%); highest among the groups gnomAD compares: African/African-American, 0.0027%; no homozygotes.

Submissions (4):

Labcorp Genetics (formerly Invitae), Labcorp
Classification: Likely benign for Familial cancer of breast. Last evaluated: 2025-10-23. Review status: criteria provided, single submitter. Criteria: Invitae Variant Classification Sherloc (09022015). Collection method: clinical testing. Allele origin: germline.

Myriad Genetics, Inc.
Classification: Benign for Familial cancer of breast. Last evaluated: 2025-01-14. Review status: criteria provided, single submitter. Criteria: Myriad Autosomal Dominant, Autosomal Recessive and X-Linked Classification Criteria (2023). Collection method: clinical testing. Allele origin: unknown.
Comment: This variant is considered benign. This variant is a silent/synonymous amino acid change and it is not expected to impact splicing.

GeneDx
Classification: Likely benign. Last evaluated: 2017-09-01. Review status: criteria provided, single submitter. Criteria: GeneDx Variant Classification (06012015). Collection method: clinical testing. Allele origin: germline. Affected: yes.
Comment: This variant is considered likely benign or benign based on one or more of the following criteria: it is a conservative change, it occurs at a poorly conserved position in the protein, it is predicted to be benign by multiple in silico algorithms, and/or has population frequency not consistent with disease.

Ambry Genetics
Classification: Likely benign for Hereditary cancer-predisposing syndrome. Last evaluated: 2014-11-10. Review status: criteria provided, single submitter. Criteria: Ambry Variant Classification Scheme 2023. Collection method: clinical testing. Allele origin: germline.